The following is an entry in ClinVar:

ClinVar aggregate classification (germline): Uncertain significance (1 of 4 stars; one submission).

Conditions:
Peroxisome biogenesis disorder, complementation group 7 (CG7). Also called: Peroxisome biogenesis disorder, complementation group B. Identifiers: MedGen C1864399.

Allele frequency attached by ClinVar (database versions not stated): TOPMed 0.00001.
gnomAD v4.1: 7 of 1,611,438 alleles (0.00043%); highest among the groups gnomAD compares: East Asian, 0.016%; no homozygotes.

Submission:

Labcorp Genetics (formerly Invitae), Labcorp
Classification: Uncertain significance for Peroxisome biogenesis disorder, complementation group 7. Last evaluated: 2021-08-31. Review status: criteria provided, single submitter. Criteria: Invitae Variant Classification Sherloc (09022015). Collection method: clinical testing. Allele origin: germline.
Comment: This sequence change replaces histidine with glutamine at codon 148 of the PEX10 protein (p.His148Gln). The histidine residue is weakly conserved and there is a small physicochemical difference between histidine and glutamine. This variant is not present in population databases (ExAC no frequency). This variant has not been reported in the literature in individuals affected with PEX10-related conditions. Algorithms developed to predict the effect of missense changes on protein structure and function output the following: SIFT: "Tolerated"; PolyPhen-2: "Benign"; Align-GVGD: "Class C0". The glutamine amino acid residue is found in multiple mammalian species, which suggests that this missense change does not adversely affect protein function. In summary, the available evidence is currently insufficient to determine the role of this variant in disease. Therefore, it has been classified as a Variant of Uncertain Significance.

NM_002617.4(PEX10):c.444C>A (p.His148Gln)

Gene: PEX10 (peroxisomal biogenesis factor 10; minus strand). Cytogenetic location: 1p36.32.
Variant type: single nucleotide variant.
Coding change: c.444C>A on transcript NM_002617.4 (MANE Select); coding-DNA position 444, C replaced by A.
Protein change: p.His148Gln; replaces histidine 148 with glutamine.
Molecular consequence: missense variant. On other transcripts: non-coding transcript variant (1).
Genome position (GRCh38, 1-based): chr1:2,408,608, G>T on the plus strand (C>A on the coding strand, the complement: PEX10 is on the minus strand). VCF-style: chr1-2408608-G-T. GRCh37 (hg19) VCF-style: chr1-2340047-G-T.
Other names: c.444C>A, p.His148Gln (NM_001374425.1, NM_153818.2); c.12C>A, p.His4Gln (NM_001374426.1, NM_001374427.1); short protein forms H148Q, H4Q.
Identifiers: ClinVar variation 2164357 (VCV002164357.1), dbSNP rs1442218906, ClinGen allele CA337987777.
Genomic context (GRCh38, chr1:2,408,608, plus strand): 5'-TCTGAGGACGAAGACCGCCCGCAGCAGCGCCCTCCTCTGCTGCTCAGTCAGGGTGGCCGT[G>T]TGGTGACGCATCCAGCGCCGCGCCCCTGAGCAGCCACGCCCACCTGGCCCCAGGCTCCCC-3'
Protein context (NP_002608.1, residues 138-158): CSGARRWMRH[His148Gln]TATLTEQQRR